The following is an entry in ClinVar:

ClinVar aggregate classification (germline): Likely benign. Review status: criteria provided, multiple submitters, no conflicts (2 of 4 stars). 3 submissions from 3 submitters: Likely benign (2). 1 of the submissions does not count toward it. Last evaluated 2025-11-06.

Conditions:
LAMA3-related disorder. Also called: LAMA3-related condition; LAMA3-related disorders.

Allele frequency attached by ClinVar (database versions not stated): gnomAD 0.00001 and 0.00005; TOPMed 0.00002; gnomAD exomes 0.00017; ExAC 0.00020.
gnomAD v4.1: 146 of 1,613,948 alleles (0.009%); highest among the groups gnomAD compares: South Asian, 0.14%; no homozygotes.

Submissions (3):

Labcorp Genetics (formerly Invitae), Labcorp
Classification: Likely benign. Last evaluated: 2025-11-06. Review status: criteria provided, single submitter. Criteria: Invitae Variant Classification Sherloc (09022015). Collection method: clinical testing. Allele origin: germline.

Breakthrough Genomics
Classification: Likely benign. Review status: criteria provided, single submitter. Criteria: ACMG Guidelines, 2015. Collection method: not provided. Allele origin: germline. Inheritance: Autosomal recessive inheritance. Affected: yes.

PreventionGenetics, part of Exact Sciences
Classification: Likely benign for LAMA3-related condition. Last evaluated: 2019-08-07. Review status: no assertion criteria provided. Collection method: clinical testing. Allele origin: germline. Not counted in ClinVar's aggregate classification.
Comment: This variant is classified as likely benign based on ACMG/AMP sequence variant interpretation guidelines (Richards et al. 2015 PMID: 25741868, with internal and published modifications).

NM_198129.4(LAMA3):c.9522A>G (p.Val3174=)

Gene: LAMA3 (laminin subunit alpha 3; plus strand). Cytogenetic location: 18q11.2.
Variant type: single nucleotide variant.
Coding change: c.9522A>G on transcript NM_198129.4 (MANE Select); coding-DNA position 9522, A replaced by G.
Protein change: p.Val3174=; no amino-acid change (valine 3174 retained).
Molecular consequence: synonymous variant.
Genome position (GRCh38, 1-based): chr18:23,950,039, A>G. VCF-style: chr18-23950039-A-G. GRCh37 (hg19) VCF-style: chr18-21530003-A-G.
Other names: c.4695A>G, p.Val1565= (NM_000227.6); c.9354A>G, p.Val3118= (NM_001127717.4); c.4527A>G, p.Val1509= (NM_001127718.4).
Identifiers: ClinVar variation 717187 (VCV000717187.13), dbSNP rs752284879, ClinGen allele CA8917218.